The following is an entry in ClinVar:

NM_001127208.3(TET2):c.2490A>G (p.Ile830Met)

Genes: TET2 (tet methylcytosine dioxygenase 2; plus strand), TET2-AS1 (TET2 antisense RNA 1; minus strand). Cytogenetic location: 4q24.
Variant type: single nucleotide variant.
Coding change: c.2490A>G on transcript NM_001127208.3 (MANE Select); coding-DNA position 2490, A replaced by G.
Protein change: p.Ile830Met; replaces isoleucine 830 with methionine.
Molecular consequence: missense variant.
Genome position (GRCh38, 1-based): chr4:105,236,432, A>G. VCF-style: chr4-105236432-A-G. GRCh37 (hg19) VCF-style: chr4-106157589-A-G.
Other names: c.2490A>G, p.Ile830Met (NM_017628.4); short protein forms I830M.
Identifiers: ClinVar variation 3967699 (VCV003967699.1).

ClinVar aggregate classification (germline): Uncertain significance (1 of 4 stars; one submission).

Submission:

Ambry Genetics
Classification: Uncertain significance. Last evaluated: 2025-06-07. Review status: criteria provided, single submitter. Criteria: Ambry Variant Classification Scheme 2023. Collection method: clinical testing. Allele origin: germline.
Comment: The p.I830M variant (also known as c.2490A>G), located in coding exon 1 of the TET2 gene, results from an A to G substitution at nucleotide position 2490. The isoleucine at codon 830 is replaced by methionine, an amino acid with highly similar properties. This amino acid position is conserved. In addition, this alteration is predicted to be tolerated by in silico analysis. Based on the available evidence, the clinical significance of this variant remains unclear.